The following is an entry in ClinVar:

ClinVar aggregate classification (germline): Uncertain significance. Review status: criteria provided, single submitter (1 of 4 stars). 2 submissions from 2 submitters: Uncertain significance (1). 1 of the submissions does not count toward it. Last evaluated 2025-06-25.

Conditions:
Meniere disease. Also called: Ménière's disease. Identifiers: MedGen C0025281, MONDO:0007972, OMIM 156000.

Allele frequency attached by ClinVar (database versions not stated): gnomAD 0.00001; gnomAD exomes 0.00003; ExAC 0.00004; TOPMed 0.00004.
gnomAD v4.1: 20 of 1,606,572 alleles (0.0012%); highest among the groups gnomAD compares: Middle Eastern, 0.017%; no homozygotes.

Submissions (2):

Labcorp Genetics (formerly Invitae), Labcorp
Classification: Uncertain significance. Last evaluated: 2025-06-25. Review status: criteria provided, single submitter. Criteria: Invitae Variant Classification Sherloc (09022015). Collection method: clinical testing. Allele origin: germline.
Comment: This sequence change creates a premature translational stop signal (p.Arg493*) in the TNNI3K gene. It is expected to result in an absent or disrupted protein product. However, the current clinical and genetic evidence is not sufficient to establish whether loss-of-function variants in TNNI3K cause disease. This variant is present in population databases (rs201857576, gnomAD 0.02%). This variant has not been reported in the literature in individuals affected with TNNI3K-related conditions. ClinVar contains an entry for this variant (Variation ID: 1375810). Algorithms developed to predict the effect of sequence changes on RNA splicing suggest that this variant may disrupt the consensus splice site. In summary, the available evidence is currently insufficient to determine the role of this variant in disease. Therefore, it has been classified as a Variant of Uncertain Significance.

Center for Computational Biology & Bioinformatics, University of California, San Diego
Classification: Uncertain significance for Meniere disease. Last evaluated: 2024-06-03. Review status: no assertion criteria provided. Collection method: research. Allele origin: germline. Affected: yes. Not counted in ClinVar's aggregate classification.

NM_015978.3(TNNI3K):c.1477C>T (p.Arg493Ter)

Genes: FPGT-TNNI3K (FPGT-TNNI3K readthrough; plus strand), TNNI3K (TNNI3 interacting kinase; plus strand). Cytogenetic location: 1p31.1.
Variant type: single nucleotide variant.
Coding change: c.1477C>T on transcript NM_015978.3 (MANE Select); coding-DNA position 1477, C replaced by T.
Protein change: p.Arg493Ter; replaces arginine 493 with a stop codon.
Molecular consequence: nonsense.
Genome position (GRCh38, 1-based): chr1:74,369,395, C>T. VCF-style: chr1-74369395-C-T. GRCh37 (hg19) VCF-style: chr1-74835079-C-T.
Other names: c.1780C>T, p.Arg594Ter (NM_001112808.3, NM_001199327.2); short protein forms R493*, R594*.
Identifiers: ClinVar variation 1375810 (VCV001375810.7), dbSNP rs201857576, ClinGen allele CA909315.